The following is an entry in ClinVar:

ClinVar aggregate classification (germline): Uncertain significance. Review status: criteria provided, multiple submitters, no conflicts (2 of 4 stars). 3 submissions from 3 submitters: Uncertain significance (2). 1 of the submissions does not count toward it. Last evaluated 2024-01-31.

Conditions:
Leber congenital amaurosis (LCA). Also called: Leber's amaurosis. Identifiers: Orphanet 65, MedGen C0339527, MeSH D057130, MONDO:0018998.
Leber congenital amaurosis 13 (LCA13). Identifiers: MedGen C2675186, MONDO:0012990, OMIM 612712.

Allele frequency attached by ClinVar (database versions not stated): gnomAD exomes below 0.00001; ExAC 0.00001; gnomAD 0.00002; TOPMed 0.00002; ESP Exome Variant Server 0.00015.
gnomAD v4.1: 5 of 1,613,982 alleles (0.00031%); highest among the groups gnomAD compares: African/African-American, 0.0067%; no homozygotes.

Submissions (3):

Labcorp Genetics (formerly Invitae), Labcorp
Classification: Uncertain significance for Leber congenital amaurosis 13. Last evaluated: 2024-01-31. Review status: criteria provided, single submitter. Criteria: Invitae Variant Classification Sherloc (09022015). Collection method: clinical testing. Allele origin: germline.
Comment: This sequence change replaces glycine, which is neutral and non-polar, with aspartic acid, which is acidic and polar, at codon 181 of the RDH12 protein (p.Gly181Asp). This variant is present in population databases (rs374403088, gnomAD 0.007%). This missense change has been observed in individual(s) with autosomal recessive retinitis pigmentosa (PMID: 35006499). ClinVar contains an entry for this variant (Variation ID: 1055259). Advanced modeling of protein sequence and biophysical properties (such as structural, functional, and spatial information, amino acid conservation, physicochemical variation, residue mobility, and thermodynamic stability) performed at Invitae indicates that this missense variant is not expected to disrupt RDH12 protein function with a negative predictive value of 80%. In summary, the available evidence is currently insufficient to determine the role of this variant in disease. Therefore, it has been classified as a Variant of Uncertain Significance.

Blueprint Genetics
Classification: Uncertain significance. Last evaluated: 2021-06-23. Review status: criteria provided, single submitter. Criteria: ACMG Guidelines, 2015. Collection method: clinical testing. Allele origin: germline.

Natera, Inc.
Classification: Uncertain significance for Leber congenital amaurosis. Last evaluated: 2021-04-22. Review status: no assertion criteria provided. Collection method: clinical testing. Allele origin: germline. Not counted in ClinVar's aggregate classification.

Literature cited by the submitters: PubMed 35006499 (cited by Labcorp Genetics (formerly Invitae), Labcorp).

NM_152443.3(RDH12):c.542G>A (p.Gly181Asp)

Genes: GPHN (gephyrin; plus strand), RDH12 (retinol dehydrogenase 12; plus strand). Cytogenetic location: 14q24.1.
Variant type: single nucleotide variant.
Coding change: c.542G>A on transcript NM_152443.3 (MANE Select); coding-DNA position 542, G replaced by A.
Protein change: p.Gly181Asp; replaces glycine 181 with aspartic acid.
Molecular consequence: missense variant.
Genome position (GRCh38, 1-based): chr14:67,727,074, G>A. VCF-style: chr14-67727074-G-A. GRCh37 (hg19) VCF-style: chr14-68193791-G-A.
Other names: short protein forms G181D.
Identifiers: ClinVar variation 1055259 (VCV001055259.12), dbSNP rs374403088, ClinGen allele CA7238745.